The following is an entry in ClinVar:

NM_000321.3(RB1):c.1855A>G (p.Thr619Ala)

Gene: RB1 (RB transcriptional corepressor 1; plus strand). Cytogenetic location: 13q14.2.
Variant type: single nucleotide variant.
Coding change: c.1855A>G on transcript NM_000321.3 (MANE Select); coding-DNA position 1855, A replaced by G.
Protein change: p.Thr619Ala; replaces threonine 619 with alanine.
Molecular consequence: missense variant.
Genome position (GRCh38, 1-based): chr13:48,456,244, A>G. VCF-style: chr13-48456244-A-G. GRCh37 (hg19) VCF-style: chr13-49030380-A-G.
Other names: c.1855A>G, p.Thr619Ala (NM_001407165.1); short protein forms T619A.
Identifiers: ClinVar variation 1992705 (VCV001992705.5), dbSNP rs2138331153, ClinGen allele CA388165770.

ClinVar aggregate classification (germline): Uncertain significance. Review status: criteria provided, multiple submitters, no conflicts (2 of 4 stars). 2 submissions from 2 submitters: Uncertain significance (2). Last evaluated 2025-10-27.

Conditions:
Retinoblastoma (RB1). Also called: RETINOBLASTOMA, SOMATIC. Identifiers: Orphanet 790, MedGen C0035335, MeSH D012175, MONDO:0008380, OMIM 180200, HP:0009919. Disease mechanism: loss of function. Inheritance: Both sporadic and heritable forms are tested..

Submissions (2):

Color Diagnostics, LLC DBA Color Health
Classification: Uncertain significance for Retinoblastoma. Last evaluated: 2025-10-27. Review status: criteria provided, single submitter. Criteria: ACMG Guidelines, 2015. Collection method: clinical testing. Allele origin: germline.
Comment: This missense variant replaces threonine with alanine at codon 619 of the RB1 protein. Computational prediction suggests that this variant may not impact protein structure and function. To our knowledge, functional studies have not been reported for this variant. This variant has not been reported in individuals affected with RB1-related disorders in the literature. This variant has not been identified in the general population by the Genome Aggregation Database (gnomAD). The available evidence is insufficient to determine the role of this variant in disease conclusively. Therefore, this variant is classified as a Variant of Uncertain Significance.

Labcorp Genetics (formerly Invitae), Labcorp
Classification: Uncertain significance for Retinoblastoma. Last evaluated: 2025-07-31. Review status: criteria provided, single submitter. Criteria: Invitae Variant Classification Sherloc (09022015). Collection method: clinical testing. Allele origin: germline.
Comment: This sequence change replaces threonine, which is neutral and polar, with alanine, which is neutral and non-polar, at codon 619 of the RB1 protein (p.Thr619Ala). This variant is not present in population databases (gnomAD no frequency). This variant has not been reported in the literature in individuals affected with RB1-related conditions. ClinVar contains an entry for this variant (Variation ID: 1992705). Invitae Evidence Modeling of protein sequence and biophysical properties (such as structural, functional, and spatial information, amino acid conservation, physicochemical variation, residue mobility, and thermodynamic stability) indicates that this missense variant is not expected to disrupt RB1 protein function with a negative predictive value of 80%. In summary, the available evidence is currently insufficient to determine the role of this variant in disease. Therefore, it has been classified as a Variant of Uncertain Significance.